The following is an entry in ClinVar:

ClinVar aggregate classification (germline): Uncertain significance (1 of 4 stars; one submission).

Allele frequency attached by ClinVar (database versions not stated): ExAC 0.00001; gnomAD 0.00001; gnomAD exomes 0.00001; TOPMed 0.00002.
gnomAD v4.1: 48 of 1,590,600 alleles (0.003%); highest among the groups gnomAD compares: Non-Finnish European, 0.004%; no homozygotes.

Submission:

Labcorp Genetics (formerly Invitae), Labcorp
Classification: Uncertain significance. Last evaluated: 2025-10-13. Review status: criteria provided, single submitter. Criteria: Invitae Variant Classification Sherloc (09022015). Collection method: clinical testing. Allele origin: germline.
Comment: This sequence change replaces glutamic acid, which is acidic and polar, with aspartic acid, which is acidic and polar, at codon 523 of the PROM1 protein (p.Glu523Asp). This variant is present in population databases (rs769133658, gnomAD 0.002%). This variant has not been reported in the literature in individuals affected with PROM1-related conditions. ClinVar contains an entry for this variant (Variation ID: 1427184). Invitae Evidence Modeling of protein sequence and biophysical properties (such as structural, functional, and spatial information, amino acid conservation, physicochemical variation, residue mobility, and thermodynamic stability) indicates that this missense variant is not expected to disrupt PROM1 protein function with a negative predictive value of 80%. In summary, the available evidence is currently insufficient to determine the role of this variant in disease. Therefore, it has been classified as a Variant of Uncertain Significance.

NM_006017.3(PROM1):c.1569A>C (p.Glu523Asp)

Gene: PROM1 (prominin 1; minus strand). Cytogenetic location: 4p15.32.
Variant type: single nucleotide variant.
Coding change: c.1569A>C on transcript NM_006017.3 (MANE Select); coding-DNA position 1569, A replaced by C.
Protein change: p.Glu523Asp; replaces glutamic acid 523 with aspartic acid.
Molecular consequence: missense variant.
Genome position (GRCh38, 1-based): chr4:16,000,505, T>G on the plus strand (A>C on the coding strand, the complement: PROM1 is on the minus strand). VCF-style: chr4-16000505-T-G. GRCh37 (hg19) VCF-style: chr4-16002128-T-G.
Other names: c.1542A>C, p.Glu514Asp (NM_001145847.2, NM_001145848.2, NM_001145851.2 and 4 more transcripts); c.1569A>C, p.Glu523Asp (NM_001145849.2, NM_001145850.2); short protein forms E514D, E523D.
Identifiers: ClinVar variation 1427184 (VCV001427184.6), dbSNP rs769133658, ClinGen allele CA2866735.